The following is an entry in ClinVar:

ClinVar aggregate classification (germline): Uncertain significance (1 of 4 stars; one submission).

Allele frequency attached by ClinVar (database versions not stated): gnomAD 0.00001; gnomAD exomes 0.00001 and 0.00002; ExAC 0.00002; 1000 Genomes Project 0.00020; 1000 Genomes Project 30x 0.00031.
gnomAD v4.1: 6 of 1,614,048 alleles (0.00037%); highest among the groups gnomAD compares: Admixed American, 0.01%; no homozygotes.

Submission:

Labcorp Genetics (formerly Invitae), Labcorp
Classification: Uncertain significance. Last evaluated: 2020-12-31. Review status: criteria provided, single submitter. Criteria: Invitae Variant Classification Sherloc (09022015). Collection method: clinical testing. Allele origin: germline.
Comment: In summary, the available evidence is currently insufficient to determine the role of this variant in disease. Therefore, it has been classified as a Variant of Uncertain Significance. Algorithms developed to predict the effect of missense changes on protein structure and function output the following: SIFT: "Tolerated"; PolyPhen-2: "Benign"; Align-GVGD: "Class C0". The isoleucine amino acid residue is found in multiple mammalian species, suggesting that this missense change does not adversely affect protein function. These predictions have not been confirmed by published functional studies and their clinical significance is uncertain. This variant has not been reported in the literature in individuals with RDH5-related conditions. This sequence change replaces leucine with isoleucine at codon 18 of the RDH5 protein (p.Leu18Ile). The leucine residue is moderately conserved and there is a small physicochemical difference between leucine and isoleucine. This variant is present in population databases (rs200866394, ExAC 0.02%).

NM_002905.5(RDH5):c.52C>A (p.Leu18Ile)

Genes: BLOC1S1-RDH5 (BLOC1S1-RDH5 readthrough; plus strand), RDH5 (retinol dehydrogenase 5; plus strand). Cytogenetic location: 12q13.2.
Variant type: single nucleotide variant.
Coding change: c.52C>A on transcript NM_002905.5 (MANE Select); coding-DNA position 52, C replaced by A.
Protein change: p.Leu18Ile; replaces leucine 18 with isoleucine.
Molecular consequence: missense variant.
Genome position (GRCh38, 1-based): chr12:55,721,236, C>A. VCF-style: chr12-55721236-C-A. GRCh37 (hg19) VCF-style: chr12-56115020-C-A.
Other names: c.52C>A, p.Leu18Ile (NM_001199771.3); short protein forms L18I.
Identifiers: ClinVar variation 1499198 (VCV001499198.7), dbSNP rs200866394, ClinGen allele CA6616729.